The following is an entry in ClinVar:

ClinVar aggregate classification (germline): Uncertain significance (1 of 4 stars; one submission).

Submission:

Dasa
Classification: Uncertain significance. Last evaluated: 2024-12-23. Review status: criteria provided, single submitter. Criteria: DASA Assertion Criteria. Collection method: clinical testing. Allele origin: germline.
Comment: NM_001356.5(DDX3X):c.1977G>T (p.Trp659Cys) is a missense variant that results in the substitution of tryptophan with cysteine. This variant is absent from population databases. The currently available literature and clinical evidence are not sufficient to establish a definitive association between this variant and the reported condition. Therefore, this variant is classified as a variant of uncertain significance.

NM_001356.5(DDX3X):c.1977G>T (p.Trp659Cys)

Gene: DDX3X (DEAD-box helicase 3 X-linked; plus strand). Cytogenetic location: Xp11.4.
Variant type: single nucleotide variant.
Coding change: c.1977G>T on transcript NM_001356.5 (MANE Select); coding-DNA position 1977, G replaced by T.
Protein change: p.Trp659Cys; replaces tryptophan 659 with cysteine.
Molecular consequence: missense variant. On other transcripts: non-coding transcript variant (1).
Genome position (GRCh38, 1-based): chrX:41,347,707, G>T. VCF-style: chrX-41347707-G-T. GRCh37 (hg19) VCF-style: chrX-41206960-G-T.
Other names: c.1974G>T, p.Trp658Cys (NM_001193416.3); c.1929G>T, p.Trp643Cys (NM_001193417.3); c.1416G>T, p.Trp472Cys (NM_001363819.1); short protein forms W472C, W643C, W658C, W659C.
Identifiers: ClinVar variation 4882463 (VCV004882463.2).